The following is an entry in ClinVar:

ClinVar aggregate classification (germline): Uncertain significance (1 of 4 stars; one submission).

Conditions:
Cardiovascular phenotype. Identifiers: MedGen CN230736.

Submission:

Ambry Genetics
Classification: Uncertain significance for Cardiovascular phenotype. Last evaluated: 2026-03-28. Review status: criteria provided, single submitter. Criteria: Ambry Variant Classification Scheme 2023. Collection method: clinical testing. Allele origin: germline.
Comment: The p.P592L variant (also known as c.1775C>T), located in coding exon 21 of the CACNA2D1 gene, results from a C to T substitution at nucleotide position 1775. The proline at codon 592 is replaced by leucine, an amino acid with similar properties. This amino acid position is conserved. In addition, the in silico prediction for this alteration is inconclusive. Based on the available evidence, the clinical significance of this variant remains unclear.

NM_000722.4(CACNA2D1):c.1775C>T (p.Pro592Leu)

Gene: CACNA2D1 (calcium voltage-gated channel auxiliary subunit alpha2delta 1; minus strand). Cytogenetic location: 7q21.11.
Variant type: single nucleotide variant.
Coding change: c.1775C>T on transcript NM_000722.4 (MANE Select); coding-DNA position 1775, C replaced by T.
Protein change: p.Pro592Leu; replaces proline 592 with leucine.
Molecular consequence: missense variant.
Genome position (GRCh38, 1-based): chr7:81,991,206, G>A on the plus strand (C>T on the coding strand, the complement: CACNA2D1 is on the minus strand). VCF-style: chr7-81991206-G-A. GRCh37 (hg19) VCF-style: chr7-81620522-G-A.
Other names: c.1832C>T, p.Pro611Leu (NM_001366867.1); short protein forms P592L, P611L.
Identifiers: ClinVar variation 4868102 (VCV004868102.1).
Genomic context (GRCh38, chr7:81,991,206, plus strand): 5'-CATTGGAATACACAATACACATAAAATACAGTTAATTACCTGTAATCTGTGCCATTGACA[G>A]GTGTCCATGTGTATGTCCTGTTTCCTTTGTCAATATATCTCTAGAAAGAAGTTTAACGTG-3'
Protein context (NP_000713.2, residues 582-602): DKGNRTYTWT[Pro592Leu]VNGTDYSLAL